The following is an entry in ClinVar:

ClinVar aggregate classification (germline): Uncertain significance (1 of 4 stars; one submission).

Submission:

Labcorp Genetics (formerly Invitae), Labcorp
Classification: Uncertain significance. Last evaluated: 2022-09-27. Review status: criteria provided, single submitter. Criteria: Invitae Variant Classification Sherloc (09022015). Collection method: clinical testing. Allele origin: germline.
Comment: This sequence change replaces threonine, which is neutral and polar, with arginine, which is basic and polar, at codon 4234 of the USH2A protein (p.Thr4234Arg). This variant is not present in population databases (gnomAD no frequency). This variant has not been reported in the literature in individuals affected with USH2A-related conditions. ClinVar contains an entry for this variant (Variation ID: 1368450). Advanced modeling of protein sequence and biophysical properties (such as structural, functional, and spatial information, amino acid conservation, physicochemical variation, residue mobility, and thermodynamic stability) performed at Invitae indicates that this missense variant is not expected to disrupt USH2A protein function. In summary, the available evidence is currently insufficient to determine the role of this variant in disease. Therefore, it has been classified as a Variant of Uncertain Significance.

NM_206933.4(USH2A):c.12701C>G (p.Thr4234Arg)

Gene: USH2A (usherin; minus strand). Cytogenetic location: 1q41.
Variant type: single nucleotide variant.
Coding change: c.12701C>G on transcript NM_206933.4 (MANE Select); coding-DNA position 12701, C replaced by G.
Protein change: p.Thr4234Arg; replaces threonine 4234 with arginine.
Molecular consequence: missense variant.
Genome position (GRCh38, 1-based): chr1:215,675,210, G>C on the plus strand (C>G on the coding strand, the complement: USH2A is on the minus strand). VCF-style: chr1-215675210-G-C. GRCh37 (hg19) VCF-style: chr1-215848552-G-C.
Other names: short protein forms T4234R.
Identifiers: ClinVar variation 1368450 (VCV001368450.5), dbSNP rs564240175, ClinGen allele CA344849750.
Genomic context (GRCh38, chr1:215,675,210, plus strand): 5'-TTCCAAGAGCTACAGGTATGCCCAGCTGAATTCCAAGTGTAGATTTTATATTCACACTGC[G>C]TCCATGGTTGCAAACCTGTGTCATTATACATAAATGTATTCCTTTCAGTGTTATATTCTG-3'
Protein context (NP_996816.3, residues 4224-4244): MYNDTGLQPW[Thr4234Arg]QCEYKIYTWN